The following is an entry in ClinVar:

ClinVar aggregate classification (germline): Uncertain significance. Review status: criteria provided, multiple submitters, no conflicts (2 of 4 stars). 7 submissions from 7 submitters: Uncertain significance (7). Last evaluated 2025-04-18.

Conditions:
Muscular dystrophy-dystroglycanopathy (congenital with brain and eye anomalies), type a, 8 (MDDGA8). Also called: WALKER-WARBURG SYNDROME OR MUSCLE-EYE-BRAIN DISEASE, GTDC2-RELATED. Identifiers: Orphanet 899, MedGen C3553813, MONDO:0013904, OMIM 614830.
Inborn genetic diseases. Identifiers: MedGen C0950123, MeSH D030342.

Allele frequency attached by ClinVar (database versions not stated): gnomAD 0.00009 and 0.00011; TOPMed 0.00009; 1000 Genomes Project 30x 0.00016; ExAC 0.00018; 1000 Genomes Project 0.00020.

Submissions (7):

Ambry Genetics
Classification: Uncertain significance for Inborn genetic diseases. Last evaluated: 2025-04-18. Review status: criteria provided, single submitter. Criteria: Ambry Variant Classification Scheme 2023. Collection method: clinical testing. Allele origin: germline.

Blueprint Genetics
Classification: Uncertain significance. Last evaluated: 2024-11-01. Review status: criteria provided, single submitter. Criteria: ACMG Guidelines, 2015. Collection method: clinical testing. Allele origin: germline.

Revvity Omics, Revvity
Classification: Uncertain significance. Last evaluated: 2024-07-29. Review status: criteria provided, single submitter. Criteria: ACMG Guidelines, 2015. Collection method: clinical testing. Allele origin: germline.

GeneDx
Classification: Uncertain significance. Last evaluated: 2023-11-15. Review status: criteria provided, single submitter. Criteria: GeneDx Variant Classification Process June 2021. Collection method: clinical testing. Allele origin: germline. Affected: yes.
Comment: In silico analysis supports that this missense variant does not alter protein structure/function; Has not been previously published as pathogenic or benign to our knowledge; This variant is associated with the following publications: (PMID: 27535533)

Labcorp Genetics (formerly Invitae), Labcorp
Classification: Uncertain significance for Muscular dystrophy-dystroglycanopathy (congenital with brain and eye anomalies), type a, 8. Last evaluated: 2022-07-25. Review status: criteria provided, single submitter. Criteria: Invitae Variant Classification Sherloc (09022015). Collection method: clinical testing. Allele origin: germline.
Comment: This sequence change replaces lysine, which is basic and polar, with arginine, which is basic and polar, at codon 212 of the POMGNT2 protein (p.Lys212Arg). This variant is present in population databases (rs141665095, gnomAD 0.06%). This variant has not been reported in the literature in individuals affected with POMGNT2-related conditions. ClinVar contains an entry for this variant (Variation ID: 473282). Algorithms developed to predict the effect of missense changes on protein structure and function are either unavailable or do not agree on the potential impact of this missense change (SIFT: "Deleterious"; PolyPhen-2: "Benign"; Align-GVGD: "Class C25"). In summary, the available evidence is currently insufficient to determine the role of this variant in disease. Therefore, it has been classified as a Variant of Uncertain Significance.

Mayo Clinic Laboratories, Mayo Clinic
Classification: Uncertain significance. Last evaluated: 2021-06-10. Review status: criteria provided, single submitter. Criteria: ACMG Guidelines, 2015. Collection method: clinical testing. Allele origin: germline.

Breda Genetics srl
Classification: Uncertain significance for Muscular dystrophy-dystroglycanopathy (congenital with brain and eye anomalies), type a, 8. Last evaluated: 2020-09-22. Review status: criteria provided, single submitter. Criteria: ACMG Guidelines, 2015. Collection method: clinical testing. Allele origin: germline. Inheritance: Autosomal recessive inheritance. Affected: yes. Observed: 1 variant allele, 1 heterozygote.
Comment: Based on allele frequency, in-silico prediction scores and a certain overlap with the clinical phenotype, we interpreted this variant at least as of uncertain significance. The lack of one or more of the following features has discouraged further investigations: lack of a possible second hit in autosomal recessive conditions, presence of healthy controls in databases for autosomal dominant conditions, presence of unmatching cardinal clinical features in the patient or in the known gene-disease association, and/or variant type outside the known gene mutational spectrum.

NM_032806.6(POMGNT2):c.635A>G (p.Lys212Arg)

Gene: POMGNT2 (protein O-linked mannose N-acetylglucosaminyltransferase 2 (beta 1,4-); minus strand). Cytogenetic location: 3p22.1.
Variant type: single nucleotide variant.
Coding change: c.635A>G on transcript NM_032806.6 (MANE Select); coding-DNA position 635, A replaced by G.
Protein change: p.Lys212Arg; replaces lysine 212 with arginine.
Molecular consequence: missense variant.
Genome position (GRCh38, 1-based): chr3:43,080,797, T>C on the plus strand (A>G on the coding strand, the complement: POMGNT2 is on the minus strand). VCF-style: chr3-43080797-T-C. GRCh37 (hg19) VCF-style: chr3-43122289-T-C.
Other names: p.Lys212Arg; c.635A>G (NM_032806.4); short protein forms K212R.
Identifiers: ClinVar variation 473282 (VCV000473282.14), dbSNP rs141665095, ClinGen allele CA2340020.